The following is an entry in ClinVar:

ClinVar aggregate classification (germline): Uncertain significance (1 of 4 stars; one submission).

Conditions:
Nephronophthisis. Also called: Juvenile Nephronophthisis. Identifiers: Orphanet 655, MedGen C0687120, MONDO:0019005, HP:0000090.
Meckel-Gruber syndrome. Also called: DYSENCEPHALIA SPLANCHNOCYSTICA; GRUBER SYNDROME; Dysencephalia splachnocystica. Identifiers: Orphanet 564, MedGen C0265215, MONDO:0018921.
Joubert syndrome. Also called: CEREBELLOPARENCHYMAL DISORDER IV; JOUBERT-BOLTSHAUSER SYNDROME; Familial aplasia of the vermis. Identifiers: Orphanet 475, MedGen C5979921, MONDO:0018772.

Allele frequency attached by ClinVar (database versions not stated): gnomAD exomes below 0.00001; TOPMed below 0.00001.
gnomAD v4.1: 1 of 1,592,446 alleles (0.000063%); highest among the groups gnomAD compares: Non-Finnish European, 0.000086%; no homozygotes.

Submission:

Labcorp Genetics (formerly Invitae), Labcorp
Classification: Uncertain significance for Joubert syndrome; Meckel-Gruber syndrome; Nephronophthisis. Last evaluated: 2024-10-22. Review status: criteria provided, single submitter. Criteria: Invitae Variant Classification Sherloc (09022015). Collection method: clinical testing. Allele origin: germline.
Comment: This sequence change replaces lysine, which is basic and polar, with glutamic acid, which is acidic and polar, at codon 1576 of the CEP290 protein (p.Lys1576Glu). This variant is not present in population databases (gnomAD no frequency). This variant has not been reported in the literature in individuals affected with CEP290-related conditions. ClinVar contains an entry for this variant (Variation ID: 1497083). Invitae Evidence Modeling of protein sequence and biophysical properties (such as structural, functional, and spatial information, amino acid conservation, physicochemical variation, residue mobility, and thermodynamic stability) indicates that this missense variant is expected to disrupt CEP290 protein function with a positive predictive value of 80%. In summary, the available evidence is currently insufficient to determine the role of this variant in disease. Therefore, it has been classified as a Variant of Uncertain Significance.

NM_025114.4(CEP290):c.4726A>G (p.Lys1576Glu)

Gene: CEP290 (centrosomal protein 290; minus strand). Cytogenetic location: 12q21.32.
Variant type: single nucleotide variant.
Coding change: c.4726A>G on transcript NM_025114.4 (MANE Select); coding-DNA position 4726, A replaced by G.
Protein change: p.Lys1576Glu; replaces lysine 1576 with glutamic acid.
Molecular consequence: missense variant.
Genome position (GRCh38, 1-based): chr12:88,083,933, T>C on the plus strand (A>G on the coding strand, the complement: CEP290 is on the minus strand). VCF-style: chr12-88083933-T-C. GRCh37 (hg19) VCF-style: chr12-88477710-T-C.
Other names: short protein forms K1576E.
Identifiers: ClinVar variation 1497083 (VCV001497083.8), dbSNP rs1203769698, ClinGen allele CA385993940.